The following is an entry in ClinVar:

ClinVar aggregate classification (germline): Pathogenic (1 of 4 stars; one submission).

Submission:

Labcorp Genetics (formerly Invitae), Labcorp
Classification: Pathogenic. Last evaluated: 2024-02-24. Review status: criteria provided, single submitter. Criteria: Invitae Variant Classification Sherloc (09022015). Collection method: clinical testing. Allele origin: germline.
Comment: This sequence change creates a premature translational stop signal (p.Asp310Thrfs*25) in the GNAS gene. While this is not anticipated to result in nonsense mediated decay, it is expected to disrupt the last 85 amino acid(s) of the GNAS protein. This variant is not present in population databases (gnomAD no frequency). This variant has not been reported in the literature in individuals affected with GNAS-related conditions. ClinVar contains an entry for this variant (Variation ID: 1366207). This variant disrupts a region of the GNAS protein in which other variant(s) (p.Glu392Lys) have been determined to be pathogenic (PMID: 12970262, 21488135, 21525160, 24651309). This suggests that this is a clinically significant region of the protein, and that variants that disrupt it are likely to be disease-causing. For these reasons, this variant has been classified as Pathogenic.

Literature cited by the submitters: PubMed 12970262; PubMed 21488135; PubMed 21525160; PubMed 24651309.

NM_000516.7(GNAS):c.928del (p.Asp310fs)

Gene: GNAS (GNAS complex locus; plus strand). Cytogenetic location: 20q13.32.
Variant type: Deletion.
Coding change: c.928del on transcript NM_000516.7 (MANE Select); coding-DNA position 928, one base deleted (G; older notation c.928delG).
Protein change: p.Asp310fs; shifts the reading frame from aspartic acid 310.
Molecular consequence: frameshift variant. On other transcripts: 3 prime UTR variant (2).
Genome position (GRCh38, 1-based): chr20:58,910,039, G deleted; the last of 2 consecutive G bases (chr20:58,910,038-58,910,039); deleting either gives the same sequence. VCF-style (leftmost placement, unchanged base first): chr20-58910037-AG-A. GRCh37 (hg19) VCF-style: chr20-57485092-AG-A.
Other names: c.931del, p.Asp311fs (NM_001077488.5); c.883del, p.Asp295fs (NM_001077489.4); c.*789del (NM_001077490.3); c.751del, p.Asp251fs (NM_001309840.2, NM_001309861.2); c.*834del (NM_016592.5); c.2857del, p.Asp953fs (NM_080425.4); c.886del, p.Asp296fs (NM_080426.4); short protein forms D251fs, D953fs, D295fs, D311fs, D296fs, D310fs.
Identifiers: ClinVar variation 1366207 (VCV001366207.6), dbSNP rs2146292888, ClinGen allele CA2573157166.
Genomic context (GRCh38, chr20:58,910,037, plus strand): 5'-TGTTCCTCAACAAGCAAGATCTGCTCGCTGAGAAAGTCCTTGCTGGGAAATCGAAGATTG[AG>A]GACTACTTTCCAGAATTTGCTCGCTACACTACTCCTGAGGATGGTGTGTATGGCTTCCAC-3'